The following is an entry in ClinVar:

NM_001999.4(FBN2):c.5344C>T (p.Pro1782Ser)

Gene: FBN2 (fibrillin 2; minus strand). Cytogenetic location: 5q23.3.
Variant type: single nucleotide variant.
Coding change: c.5344C>T on transcript NM_001999.4 (MANE Select); coding-DNA position 5344, C replaced by T.
Protein change: p.Pro1782Ser; replaces proline 1782 with serine.
Molecular consequence: missense variant.
Genome position (GRCh38, 1-based): chr5:128,309,256, G>A on the plus strand (C>T on the coding strand, the complement: FBN2 is on the minus strand). VCF-style: chr5-128309256-G-A. GRCh37 (hg19) VCF-style: chr5-127644948-G-A.
Other names: short protein forms P1782S.
Identifiers: ClinVar variation 528405 (VCV000528405.9), dbSNP rs1554120093, ClinGen allele CA360743458.
Genomic context (GRCh38, chr5:128,309,256, plus strand): 5'-TGCGTGTATCACTGATGTGGCAGTCAGCAGATGCACGAGCCGTGTGCTTACCTGTTCCTG[G>A]AGTTGGGCATGGTTCACAAGGTTTGTTCCAGGCTTTGCCCACATTATATGTGCAGCAGCA-3'
Protein context (NP_001990.2, residues 1772-1792): WNKPCEPCPT[Pro1782Ser]GTADFKTICG

ClinVar aggregate classification (germline): Uncertain significance (1 of 4 stars; one submission).

Conditions:
Congenital contractural arachnodactyly (CCA). Also called: Beals-Hecht syndrome; BEALS SYNDROME; Arthrogryposis, distal, type 9. Identifiers: Orphanet 115, MedGen C0220668, MONDO:0007363, OMIM 121050.

Submission:

Labcorp Genetics (formerly Invitae), Labcorp
Classification: Uncertain significance for Congenital contractural arachnodactyly. Last evaluated: 2017-10-18. Review status: criteria provided, single submitter. Criteria: Invitae Variant Classification Sherloc (09022015). Collection method: clinical testing. Allele origin: germline.
Comment: This sequence change replaces proline with serine at codon 1782 of the FBN2 protein (p.Pro1782Ser). The proline residue is highly conserved and there is a moderate physicochemical difference between proline and serine. This variant is not present in population databases (ExAC no frequency). This variant has not been reported in the literature in individuals with FBN2-related disease. Algorithms developed to predict the effect of missense changes on protein structure and function (SIFT, PolyPhen-2, Align-GVGD) all suggest that this variant is likely to be disruptive, but these predictions have not been confirmed by published functional studies and their clinical significance is uncertain. In summary, the available evidence is currently insufficient to determine the role of this variant in disease. Therefore, it has been classified as a Variant of Uncertain Significance.